The following is an entry in ClinVar:

NM_000051.4(ATM):c.8786+1G>C

Genes: ATM (ATM serine/threonine kinase; plus strand), C11orf65 (chromosome 11 open reading frame 65; minus strand). Cytogenetic location: 11q22.3.
Variant type: single nucleotide variant.
Coding change: c.8786+1G>C on transcript NM_000051.4 (MANE Select); the canonical splice donor site of the intron after coding-DNA position 8786, G replaced by C.
Molecular consequence: splice donor variant. On other transcripts: intron variant (2).
Genome position (GRCh38, 1-based): chr11:108,353,881, G>C. VCF-style: chr11-108353881-G-C. GRCh37 (hg19) VCF-style: chr11-108224608-G-C.
Other names: c.8786+1G>C (NM_001351834.2); c.640+32039C>G (NM_001330368.2); c.695-18589C>G (NM_001351110.2).
Identifiers: ClinVar variation 187060 (VCV000187060.39), dbSNP rs17174393, ClinGen allele CA196631.
Genomic context (GRCh38, chr11:108,353,881, plus strand): 5'-ACTCACCAGAGATATTGTGGATGGCATGGGCATTACGGGTGTTGAAGGTGTCTTCAGAAG[G>C]TAAGTGATATGAAGTAAAGGAGGGAAATAATTTTTGATGTCAAAATTACATGGGCTGGGC-3'

ClinVar aggregate classification (germline): Pathogenic/Likely pathogenic. Review status: criteria provided, multiple submitters, no conflicts (2 of 4 stars). 8 submissions from 8 submitters: Pathogenic (4); Likely pathogenic (3). 1 of the submissions does not count toward it. Last evaluated 2025-10-13.

Conditions:
Gastric cancer. Also called: Malignant tumor of stomach; Stomach cancer. Identifiers: MedGen C0024623, MeSH D013274, MONDO:0001056, OMIM 613659, HP:0012126.
Hereditary cancer-predisposing syndrome. Also called: Hereditary Cancer Syndrome; Tumor predisposition; Neoplastic Syndromes, Hereditary; Hereditary neoplastic syndrome. Identifiers: Orphanet 140162, MedGen C0027672, MeSH D009386, MONDO:0015356.
Familial cancer of breast. Also called: hereditary breast carcinoma; BREAST CANCER, FAMILIAL; Hereditary breast cancer. Identifiers: Orphanet 227535, MedGen C0346153, MONDO:0016419, OMIM 114480. Disease mechanism: loss of function.
Ataxia-telangiectasia syndrome (AT). Also called: ATAXIA-TELANGIECTASIA, COMPLEMENTATION GROUP A; ATAXIA-TELANGIECTASIA, FRESNO VARIANT; Ataxia-telangiectasia; Ataxia-telangiectasia, complementation group E; Cerebello-oculocutaneous telangiectasia; Immunodeficiency with ataxia telangiectasia. Identifiers: Orphanet 100, MedGen C0004135, MONDO:0008840, OMIM 208900.

Submissions (8):

Labcorp Genetics (formerly Invitae), Labcorp
Classification: Pathogenic for Ataxia-telangiectasia syndrome. Last evaluated: 2025-10-13. Review status: criteria provided, single submitter. Criteria: Invitae Variant Classification Sherloc (09022015). Collection method: clinical testing. Allele origin: germline.
Comment: This sequence change affects a donor splice site in intron 60 of the ATM gene. RNA analysis indicates that disruption of this splice site induces altered splicing and likely disrupts the C-terminus of the protein. This variant is not present in population databases (gnomAD no frequency). This variant has not been reported in the literature in individuals affected with ATM-related conditions. ClinVar contains an entry for this variant (Variation ID: 187060). Studies have shown that disruption of this splice site results in skipping of exon 60 and introduces a new termination codon (internal data). However the mRNA is not expected to undergo nonsense-mediated decay. This variant disrupts a region of the ATM protein in which other variant(s) (p.Asp2913Tyr) have been determined to be pathogenic (PMID: 21665257, 22071889, 31050087, 33436325). This suggests that this is a clinically significant region of the protein, and that variants that disrupt it are likely to be disease-causing. For these reasons, this variant has been classified as Pathogenic.

Color Diagnostics, LLC DBA Color Health
Classification: Pathogenic for Hereditary cancer-predisposing syndrome. Last evaluated: 2025-09-12. Review status: criteria provided, single submitter. Criteria: ACMG Guidelines, 2015. Collection method: clinical testing. Allele origin: germline.
Comment: This variant causes a G to C nucleotide substitution at the +1 position of the ATM gene. This variant has been reported to impact RNA splicing by external laboratories, however, detailed data are not available for review (ClinVar SCV000217559.8, SCV000253748.10). This variant has been reported in individuals affected with prostate cancer (PMID: 28825054, 28873162). This variant has not been identified in the general population by the Genome Aggregation Database (gnomAD). A different variant impacting the same splice site, c.8786+1G>A, is a well documented pathogenic mutation (ClinVar Variation ID: 127463). Loss of ATM function is a known mechanism of disease. Based on the available evidence, this variant is classified as Pathogenic.

Ambry Genetics
Classification: Pathogenic for Hereditary cancer-predisposing syndrome. Last evaluated: 2025-07-15. Review status: criteria provided, single submitter. Criteria: Ambry Variant Classification Scheme 2023. Collection method: clinical testing. Allele origin: germline.
Comment: The c.8786+1G>C intronic pathogenic mutation results from a G to C substitution one nucleotide after coding exon 59 of the ATM gene. This variant has been identified in an individual with prostate cancer (Abida W et al. JCO Precis Oncol. 2017 Jul;2017). In addition, a different pathogenic mutation at the same position, c.8786+1G>A (also known as IVS62+1G>A), has been detected in numerous individuals diagnosed with ataxia-telangiectasia (Wright J et al. Am. J. Hum. Genet. 1996 Oct;59:839-46; Li A et al. Am. J. Med. Genet. 2000 May;92:170-7; Stankovic T et al. Am. J. Hum. Genet. 1998 Feb;62:334-45; Laake K et al. Hum. Mutat. 2000 Sep;16:232-46). RNA studies showed abnormal splicing in individuals with the c.8786+1G>C alteration (Ambry internal data). This nucleotide position is highly conserved in available vertebrate species. This variant is considered to be rare based on population cohorts in the Genome Aggregation Database (gnomAD). Based on the supporting evidence, this variant is interpreted as a disease-causing mutation.

Quest Diagnostics Nichols Institute San Juan Capistrano
Classification: Likely pathogenic. Last evaluated: 2024-11-08. Review status: criteria provided, single submitter. Criteria: Quest Diagnostics criteria. Collection method: clinical testing. Allele origin: unknown.
Comment: The ATM c.8786+1G>C variant disrupts a canonical splice-donor site and is predicted to interfere with normal ATM mRNA splicing. This variant has been reported in the published literature in an individual with prostate cancer (PMID: 28825054 (2017)). This variant has not been reported in large, multi-ethnic general populations (Genome Aggregation Database). Based on the available information, this variant is classified as likely pathogenic.

Myriad Genetics, Inc.
Classification: Likely pathogenic for Familial cancer of breast. Last evaluated: 2024-02-05. Review status: criteria provided, single submitter. Criteria: Myriad Autosomal Dominant, Autosomal Recessive and X-Linked Classification Criteria (2023). Collection method: clinical testing. Allele origin: unknown.
Comment: This variant is considered likely pathogenic. This variant occurs within a consensus splice junction and is predicted to result in abnormal mRNA splicing of either an out-of-frame exon or an in-frame exon necessary for protein stability and/or normal function.

GeneDx
Classification: Pathogenic. Last evaluated: 2024-01-24. Review status: criteria provided, single submitter. Criteria: GeneDx Variant Classification Process June 2021. Collection method: clinical testing. Allele origin: germline. Affected: yes.
Comment: Not observed at significant frequency in large population cohorts (gnomAD); Canonical splice site variant predicted to result in a null allele in a gene for which loss of function is a known mechanism of disease; Observed in individuals with ATM-related cancers referred for genetic testing at GeneDx and in published literature (PMID: 28825054, 28873162); This variant is associated with the following publications: (PMID: 26618343, 28873162, 28825054, 30287823, 33436325, 22071889, 21665257, 36988593, 31050087, 32980694, 36243179, 33309985)

Baylor Genetics
Classification: Likely pathogenic for Familial cancer of breast. Last evaluated: 2022-10-10. Review status: criteria provided, single submitter. Criteria: ACMG Guidelines, 2015. Collection method: clinical testing. Allele origin: unknown.

Laboratory for Genotyping Development, RIKEN
Classification: Pathogenic for Gastric cancer. Last evaluated: 2021-07-01. Review status: no assertion criteria provided. Collection method: research. Allele origin: germline. Not counted in ClinVar's aggregate classification.

Literature cited by the submitters: PubMed 21665257 (cited by Labcorp Genetics (formerly Invitae), Labcorp); PubMed 22071889 (cited by Labcorp Genetics (formerly Invitae), Labcorp); PubMed 31050087 (cited by Labcorp Genetics (formerly Invitae), Labcorp); PubMed 33436325 (cited by Labcorp Genetics (formerly Invitae), Labcorp); PubMed 28825054 (cited by Color Diagnostics, LLC DBA Color Health and Quest Diagnostics Nichols Institute San Juan Capistrano); PubMed 28873162 (cited by Color Diagnostics, LLC DBA Color Health); PubMed 32980694 (cited by Quest Diagnostics Nichols Institute San Juan Capistrano); PubMed 30287823 (cited by Quest Diagnostics Nichols Institute San Juan Capistrano); PubMed 36988593 (cited by Laboratory for Genotyping Development, RIKEN).